The following is an entry in ClinVar:

ClinVar aggregate classification (germline): Likely pathogenic (1 of 4 stars; one submission).

Conditions:
Ellis-van Creveld syndrome (EVC). Also called: EVC-Related Ellis-van Creveld Syndrome; EVC2-Related Ellis-van Creveld Syndrome; MESOECTODERMAL DYSPLASIA; Chondroectodermal dysplasia. Identifiers: Orphanet 289, MedGen C0013903, MONDO:0009162, OMIM 225500.

Submission:

Myriad Genetics, Inc.
Classification: Likely pathogenic for Ellis-van Creveld syndrome. Last evaluated: 2022-01-15. Review status: criteria provided, single submitter. Criteria: Myriad Women's Health Autosomal Recessive and X-Linked Classification Criteria (2021). Collection method: clinical testing. Allele origin: unknown.
Comment: NM_147127.4(EVC2):c.3459_3460delTC(Q1154Afs*18) is expected to be pathogenic in the context of EVC2-related Ellis-van Creveld syndrome. This variant is predicted to lead to an abnormal or absent protein product due to the creation of a premature termination codon in EVC2, a gene where loss-of-function variants are known to be pathogenic. Please note: this variant was assessed in the context of healthy population screening.

NM_147127.5(EVC2):c.3459_3460del (p.Gln1154fs)

Gene: EVC2 (EvC ciliary complex subunit 2; minus strand). Cytogenetic location: 4p16.2.
Variant type: Deletion.
Coding change: c.3459_3460del on transcript NM_147127.5 (MANE Select); coding-DNA positions 3459 to 3460, 2 bases deleted (TC; older notation c.3459_3460delTC).
Protein change: p.Gln1154fs; shifts the reading frame from glutamine 1154.
Molecular consequence: frameshift variant.
Genome position (GRCh38, 1-based): chr4:5,568,541-5,568,542, GA deleted on the plus strand (TC on the coding strand, the reverse complement: EVC2 is on the minus strand); deleting any 2 consecutive bases within chr4:5,568,541-5,568,543 gives the same sequence; the c. name uses the placement nearest the transcript's 3' end. VCF-style (leftmost placement, unchanged base first): chr4-5568540-TGA-T. GRCh37 (hg19) VCF-style: chr4-5570267-TGA-T.
Other names: c.3219_3220del, p.Gln1074fs (NM_001166136.2); short protein forms Q1074fs, Q1154fs.
Identifiers: ClinVar variation 1723946 (VCV001723946.2), dbSNP rs2475183787, ClinGen allele CA2580070827.